The following is an entry in ClinVar:

ClinVar aggregate classification (germline): Likely benign. Review status: reviewed by expert panel (3 of 4 stars). 9 submissions from 9 submitters: Likely benign (1). 8 of the submissions do not count toward it. Last evaluated 2017-06-29.

Conditions:
BRCA2-related cancer predisposition. Identifiers: MedGen CN377758, MONDO:0700269.
Hereditary cancer-predisposing syndrome. Also called: Tumor predisposition; Hereditary Cancer Syndrome; Hereditary neoplastic syndrome; Neoplastic Syndromes, Hereditary. Identifiers: Orphanet 140162, MedGen C0027672, MeSH D009386, MONDO:0015356.
Hereditary breast ovarian cancer syndrome. Also called: Breast and ovarian cancer; Hereditary breast and ovarian cancer syndrome; Hereditary breast and ovarian cancer; BRCA1- and BRCA2-Associated Hereditary Breast and Ovarian Cancer; Hereditary breast and ovarian cancer syndrome (HBOC); Hereditary breast and/or ovarian cancer syndrome. Identifiers: Orphanet 145, MedGen C0677776, MeSH D061325, MONDO:0003582. Disease mechanism: loss of function.
Breast-ovarian cancer, familial, susceptibility to, 2 (BROVCA2). Also called: BRCA2 Hereditary Breast and Ovarian Cancer. Identifiers: Orphanet 145, MedGen C2675520, MONDO:0012933, OMIM 612555. Disease mechanism: loss of function.

Allele frequency attached by ClinVar (database versions not stated): gnomAD exomes below 0.00001; 1000 Genomes Project 30x 0.00016; 1000 Genomes Project 0.00020.

Submissions (9):

Evidence-based Network for the Interpretation of Germline Mutant Alleles (ENIGMA)
Classification: Likely benign for Breast-ovarian cancer, familial, susceptibility to, 2. Last evaluated: 2017-06-29. Review status: reviewed by expert panel. Criteria: ENIGMA BRCA1/2 Classification Criteria (2017-06-29). Collection method: curation. Allele origin: germline.
Comment: Synonymous substitution variant, with low bioinformatic likelihood to result in a splicing aberration (Splicing prior probability 0.02).

Labcorp Genetics (formerly Invitae), Labcorp
Classification: Likely benign for Hereditary breast ovarian cancer syndrome. Last evaluated: 2025-12-03. Review status: criteria provided, single submitter. Criteria: Invitae Variant Classification Sherloc (09022015). Collection method: clinical testing. Allele origin: germline. Not counted in ClinVar's aggregate classification.

All of Us Research Program, National Institutes of Health
Classification: Likely benign for BRCA2-related cancer predisposition. Last evaluated: 2024-03-24. Review status: criteria provided, single submitter. Criteria: ACMG Guidelines, 2015. Collection method: clinical testing. Allele origin: germline. Inheritance: Autosomal dominant inheritance. Observed: 1 variant allele, 1 heterozygote. Not counted in ClinVar's aggregate classification.
Comment: This study involves interpretation of variants in research participants for the purpose of population health screening. Participant phenotype was not available at the time of variant classification. Additional details can be found in publication PMID: 35346344, PMCID: PMC8962531

Sema4
Classification: Uncertain significance for Hereditary cancer-predisposing syndrome. Last evaluated: 2021-09-09. Review status: criteria provided, single submitter. Criteria: Sema4 Curation Guidelines. Collection method: curation. Allele origin: germline. Not counted in ClinVar's aggregate classification.
Comment: The BRCA2 c.5553C>T (p.I1851=) variant has been reported in heterozygosity in at least two individuals with hereditary breast or ovarian cancer (PMID: 20683152). This variant was observed in 1/18274 chromosomes in the East Asian population according to the Genome Aggregation Database (PMID: 32461654). This variant has been reported in ClinVar (Variation ID: 184063). In silico tools developed to predict the effect of sequence changes on RNA splicing do not suggest a negative effect on normal splicing, though these predictions have not been confirmed by functional studies.The evidence is insufficient to meet ACMG/AMP criteria for classifying the variant as benign or pathogenic. Thus, the clinical significance of this variant is currently uncertain.

Quest Diagnostics Nichols Institute San Juan Capistrano
Classification: Likely benign. Last evaluated: 2020-03-25. Review status: criteria provided, single submitter. Criteria: Quest Diagnostics criteria. Collection method: clinical testing. Allele origin: unknown. Not counted in ClinVar's aggregate classification.

Ambry Genetics
Classification: Likely benign for Hereditary cancer-predisposing syndrome. Last evaluated: 2018-06-08. Review status: criteria provided, single submitter. Criteria: Ambry Variant Classification Scheme 2023. Collection method: clinical testing. Allele origin: germline. Not counted in ClinVar's aggregate classification.

Color Diagnostics, LLC DBA Color Health
Classification: Likely benign for Hereditary cancer-predisposing syndrome. Last evaluated: 2018-03-19. Review status: criteria provided, single submitter. Criteria: ACMG Guidelines, 2015. Collection method: clinical testing. Allele origin: germline. Not counted in ClinVar's aggregate classification.

GeneDx
Classification: Likely benign. Last evaluated: 2016-11-23. Review status: criteria provided, single submitter. Criteria: GeneDx Variant Classification (06012015). Collection method: clinical testing. Allele origin: germline. Affected: yes. Not counted in ClinVar's aggregate classification.
Comment: This variant is considered likely benign or benign based on one or more of the following criteria: it is a conservative change, it occurs at a poorly conserved position in the protein, it is predicted to be benign by multiple in silico algorithms, and/or has population frequency not consistent with disease.

University of Science and Technology Houari Boumediene, Laboratory of Molecular and Cellular Biology (LBCM)
Classification: Benign for Breast-ovarian cancer, familial, susceptibility to, 2. Review status: criteria provided, single submitter. Criteria: ACMG Guidelines, 2015. Collection method: clinical testing. Allele origin: germline. Affected: yes. Observed: 2 heterozygotes. Not counted in ClinVar's aggregate classification.

Literature cited by the submitters: PubMed 20683152 (cited by 3 submitters); PubMed 28814288 (cited by Quest Diagnostics Nichols Institute San Juan Capistrano); PubMed 22684231 (cited by University of Science and Technology Houari Boumediene, Laboratory of Molecular and Cellular Biology (LBCM)).

NM_000059.4(BRCA2):c.5553C>T (p.Ile1851=)

Gene: BRCA2 (BRCA2 DNA repair associated; plus strand). Cytogenetic location: 13q13.1.
Variant type: single nucleotide variant.
Coding change: c.5553C>T on transcript NM_000059.4 (MANE Select); coding-DNA position 5553, C replaced by T.
Protein change: p.Ile1851=; no amino-acid change (isoleucine 1851 retained).
Molecular consequence: synonymous variant.
Genome position (GRCh38, 1-based): chr13:32,339,908, C>T. VCF-style: chr13-32339908-C-T. GRCh37 (hg19) VCF-style: chr13-32914045-C-T.
Identifiers: ClinVar variation 184063 (VCV000184063.25), dbSNP rs573514896, ClinGen allele CA022542.